The following is an entry in ClinVar:

NM_080680.3(COL11A2):c.3692G>T (p.Gly1231Val)

Gene: COL11A2 (collagen type XI alpha 2 chain; minus strand). Cytogenetic location: 6p21.32.
Variant type: single nucleotide variant.
Coding change: c.3692G>T on transcript NM_080680.3 (MANE Select); coding-DNA position 3692, G replaced by T.
Protein change: p.Gly1231Val; replaces glycine 1231 with valine.
Molecular consequence: missense variant.
Genome position (GRCh38, 1-based): chr6:33,169,489, C>A on the plus strand (G>T on the coding strand, the complement: COL11A2 is on the minus strand). VCF-style: chr6-33169489-C-A. GRCh37 (hg19) VCF-style: chr6-33137266-C-A.
Other names: c.3512G>T, p.Gly1171Val (NM_001424108.1); c.2846G>T, p.Gly949Val (NM_001424109.1); c.2666G>T, p.Gly889Val (NM_001424110.1, NM_001424111.1); c.1646G>T, p.Gly549Val (NM_001424112.1); c.3371G>T, p.Gly1124Val (NM_080679.3); c.3434G>T, p.Gly1145Val (NM_080681.3); short protein forms G1124V, G889V, G1171V, G1145V, G1231V, G549V, G949V.
Identifiers: ClinVar variation 4998030 (VCV004998030.1).

ClinVar aggregate classification (germline): Uncertain significance (1 of 4 stars; one submission).

Conditions:
COL11A2-related disorder. Also called: COL11A2-related condition; COL11A2-related disorders.

gnomAD v4.1: 2 of 1,612,666 alleles (0.00012%); highest among the groups gnomAD compares: Non-Finnish European, 0.000085%; no homozygotes.

Submission:

PreventionGenetics, part of Exact Sciences
Classification: Uncertain significance for COL11A2-related condition. Last evaluated: 2025-02-12. Review status: criteria provided, single submitter. Criteria: ACMG Guidelines, 2015. Collection method: clinical testing. Allele origin: germline.
Comment: The COL11A2 c.3692G>T variant is predicted to result in the amino acid substitution p.Gly1231Val. To our knowledge, this variant has not been reported in the literature or in a large population database (gnomAD), indicating this variant is rare. The p.Gly1231 amino acid is located in the conserved Gly-Xaa-Yaa triple helical domainwhere substitutions of a glycine are usually pathogenic (Vuristo et al. 1995. PubMed ID: 7559422; Chen et al. 2005. PubMed ID: 16033917). However, no nearby Glycine substition has been reported in the Human Gene Mutation Database. At this time, the clinical significance of this variant is uncertain due to the absence of conclusive functional and genetic evidence.